The following is an entry in ClinVar:

NM_004484.4(GPC3):c.485A>G (p.Asn162Ser)

Gene: GPC3 (glypican 3; minus strand). Cytogenetic location: Xq26.2.
Variant type: single nucleotide variant.
Coding change: c.485A>G on transcript NM_004484.4 (MANE Select); coding-DNA position 485, A replaced by G.
Protein change: p.Asn162Ser; replaces asparagine 162 with serine.
Molecular consequence: missense variant.
Genome position (GRCh38, 1-based): chrX:133,754,029, T>C on the plus strand (A>G on the coding strand, the complement: GPC3 is on the minus strand). VCF-style: chrX-133754029-T-C. GRCh37 (hg19) VCF-style: chrX-132888056-T-C.
Other names: c.485A>G, p.Asn162Ser (NM_001164617.2); c.437A>G, p.Asn146Ser (NM_001164618.2); c.323A>G, p.Asn108Ser (NM_001164619.2); short protein forms N162S, N146S, N108S.
Identifiers: ClinVar variation 476656 (VCV000476656.39), dbSNP rs780431445, ClinGen allele CA10520828.
Genomic context (GRCh38, chrX:133,754,029, plus strand): 5'-AGCTGGGTATAGATGACTGGAAACAGGCTGTCAAACAATTCATTGACCATGTCATCTACA[T>C]TGATGTCAGAACCCAAGATGTAGAGAGACACATCTGTGAAAAATTCACCCACAAACTCAA-3'
Protein context (NP_004475.1, residues 152-172): VSLYILGSDI[Asn162Ser]VDDMVNELFD

ClinVar aggregate classification (germline): Conflicting classifications of pathogenicity. Review status: criteria provided, conflicting classifications (1 of 4 stars). 11 submissions from 11 submitters: Uncertain significance (1); Benign (2); Likely benign (6). 2 of the submissions do not count toward it. Last evaluated 2026-04-01.

Conditions:
Inborn genetic diseases. Identifiers: MedGen C0950123, MeSH D030342.
Wilms tumor 1 (WT1). Also called: Wilms tumor, somatic. Identifiers: Orphanet 654, MedGen CN033288, MONDO:0008679, OMIM 194070.
Hereditary cancer-predisposing syndrome. Also called: Hereditary neoplastic syndrome; Tumor predisposition; Neoplastic Syndromes, Hereditary; Hereditary Cancer Syndrome. Identifiers: Orphanet 140162, MedGen C0027672, MeSH D009386, MONDO:0015356.
Simpson-Golabi-Behmel syndrome type 1 (SGBS1). Also called: GPC3-Related Simpson-Golabi-Behmel Syndrome Type 1; SIMPSON DYSMORPHIA SYNDROME; BULLDOG SYNDROME; DYSPLASIA GIGANTISM SYNDROME, X-LINKED; GOLABI-ROSEN SYNDROME. Identifiers: Orphanet 373, MedGen C0796154, MONDO:0020602, OMIM 312870.

Allele frequency attached by ClinVar (database versions not stated): ExAC 0.00002; gnomAD exomes 0.00002; TOPMed 0.00005; 1000 Genomes Project 30x 0.00021; 1000 Genomes Project 0.00026.
gnomAD v4.1: 54 of 1,208,656 alleles (0.0045%); highest among the groups gnomAD compares: African/African-American, 0.012%; no homozygotes.

Submissions (11):

CeGaT Center for Human Genetics Tuebingen
Classification: Likely benign. Last evaluated: 2026-04-01. Review status: criteria provided, single submitter. Criteria: CeGaT Center For Human Genetics Tuebingen Variant Classification Criteria Version 2. Collection method: clinical testing. Allele origin: germline. Affected: yes. Observed: 2 variant alleles.
Comment: GPC3: BP4, BS2

Women's Health and Genetics/Laboratory Corporation of America, LabCorp
Classification: Benign. Last evaluated: 2025-10-28. Review status: criteria provided, single submitter. Criteria: LabCorp Variant Classification Summary - May 2015. Collection method: clinical testing. Allele origin: germline.
Comment: Variant summary: GPC3 c.485A>G (p.Asn162Ser) results in a conservative amino acid change in the encoded protein sequence. Algorithms developed to predict the effect of missense changes on protein structure and function are either unavailable or do not agree on the potential impact of this missense change. The variant allele was found at a frequency of 4.5e-05 in 1208656 control chromosomes in the gnomAD database, including 15 hemizygous male controls. This frequency is not significantly higher than estimated for disease-causing variants in GPC3, however the number of observed hemizygous controls is inconsistent with the early onset and phenotypic presentation of GPC3-related conditions. To our knowledge, no occurrence of c.485A>G in individuals affected with GPC3-related conditions and no experimental evidence demonstrating its impact on protein function have been reported. ClinVar contains an entry for this variant (Variation ID: 476656). Based on the evidence outlined above, the variant was classified as benign.

Labcorp Genetics (formerly Invitae), Labcorp
Classification: Benign for Wilms tumor 1. Last evaluated: 2025-10-18. Review status: criteria provided, single submitter. Criteria: Invitae Variant Classification Sherloc (09022015). Collection method: clinical testing. Allele origin: germline.

Revvity Omics, Revvity
Classification: Uncertain significance for Simpson-Golabi-Behmel syndrome type 1. Last evaluated: 2024-09-09. Review status: criteria provided, single submitter. Criteria: ACMG Guidelines, 2015. Collection method: clinical testing. Allele origin: germline.

Blueprint Genetics
Classification: Likely benign. Last evaluated: 2023-04-03. Review status: criteria provided, single submitter. Criteria: ACMG Guidelines, 2015. Collection method: clinical testing. Allele origin: germline.

Sema4
Classification: Likely benign for Hereditary cancer-predisposing syndrome. Last evaluated: 2022-01-27. Review status: criteria provided, single submitter. Criteria: Sema4 Curation Guidelines. Collection method: curation. Allele origin: germline.

Ambry Genetics
Classification: Likely benign for Inborn genetic diseases. Last evaluated: 2021-08-04. Review status: criteria provided, single submitter. Criteria: Ambry Variant Classification Scheme 2023. Collection method: clinical testing. Allele origin: germline.

GeneDx
Classification: Likely benign. Last evaluated: 2020-04-21. Review status: criteria provided, single submitter. Criteria: GeneDx Variant Classification Process June 2021. Collection method: clinical testing. Allele origin: germline. Affected: yes.

Breakthrough Genomics
Classification: Likely benign. Review status: criteria provided, single submitter. Criteria: ACMG Guidelines, 2015. Collection method: not provided. Allele origin: germline. Inheritance: X-linked inheritance. Affected: yes.

Clinical Genetics DNA and cytogenetics Diagnostics Lab, Erasmus MC, Erasmus Medical Center
Classification: Likely benign. Review status: no assertion criteria provided. Collection method: clinical testing. Allele origin: germline. Affected: yes. Study: VKGL Data-share Consensus. Not counted in ClinVar's aggregate classification.

Genome Diagnostics Laboratory, University Medical Center Utrecht
Classification: Likely benign. Review status: no assertion criteria provided. Collection method: clinical testing. Allele origin: germline. Affected: yes. Study: VKGL Data-share Consensus. Not counted in ClinVar's aggregate classification.